The following is an entry in ClinVar:

ClinVar aggregate classification (germline): Uncertain significance. Review status: criteria provided, multiple submitters, no conflicts (2 of 4 stars). 2 submissions from 2 submitters: Uncertain significance (2). Last evaluated 2022-02-11.

Conditions:
LAMA2-related muscular dystrophy (LAMA2-RD). Also called: Laminin alpha 2-related dystrophy. Identifiers: MedGen C5679788, MONDO:0100228.

Allele frequency attached by ClinVar (database versions not stated): gnomAD exomes below 0.00001; TOPMed below 0.00001; ExAC 0.00002; ESP Exome Variant Server 0.00008.
gnomAD v4.1: 7 of 1,614,174 alleles (0.00043%); highest among the groups gnomAD compares: Admixed American, 0.0017%; no homozygotes.

Submissions (2):

Labcorp Genetics (formerly Invitae), Labcorp
Classification: Uncertain significance for LAMA2-related muscular dystrophy. Last evaluated: 2022-02-11. Review status: criteria provided, single submitter. Criteria: Invitae Variant Classification Sherloc (09022015). Collection method: clinical testing. Allele origin: germline.
Comment: This sequence change replaces methionine, which is neutral and non-polar, with valine, which is neutral and non-polar, at codon 2805 of the LAMA2 protein (p.Met2805Val). This variant is present in population databases (rs376788876, gnomAD 0.004%). This variant has not been reported in the literature in individuals affected with LAMA2-related conditions. Advanced modeling of protein sequence and biophysical properties (such as structural, functional, and spatial information, amino acid conservation, physicochemical variation, residue mobility, and thermodynamic stability) performed at Invitae indicates that this missense variant is not expected to disrupt LAMA2 protein function. In summary, the available evidence is currently insufficient to determine the role of this variant in disease. Therefore, it has been classified as a Variant of Uncertain Significance.

Revvity Omics, Revvity
Classification: Uncertain significance. Last evaluated: 2020-03-11. Review status: criteria provided, single submitter. Criteria: ACMG Guidelines, 2015. Collection method: clinical testing. Allele origin: germline.

NM_000426.4(LAMA2):c.8413A>G (p.Met2805Val)

Gene: LAMA2 (laminin subunit alpha 2; plus strand). Cytogenetic location: 6q22.33.
Variant type: single nucleotide variant.
Coding change: c.8413A>G on transcript NM_000426.4 (MANE Select); coding-DNA position 8413, A replaced by G.
Protein change: p.Met2805Val; replaces methionine 2805 with valine.
Molecular consequence: missense variant.
Genome position (GRCh38, 1-based): chr6:129,503,146, A>G. VCF-style: chr6-129503146-A-G. GRCh37 (hg19) VCF-style: chr6-129824291-A-G.
Other names: c.8401A>G, p.Met2801Val (NM_001079823.2); short protein forms M2801V, M2805V.
Identifiers: ClinVar variation 2195417 (VCV002195417.4), dbSNP rs376788876, ClinGen allele CA3994830.